The following is an entry in ClinVar:

ClinVar aggregate classification (germline): Uncertain significance. Review status: criteria provided, multiple submitters, no conflicts (2 of 4 stars). 6 submissions from 6 submitters: Uncertain significance (5). 1 of the submissions does not count toward it. Last evaluated 2025-07-08.

Conditions:
USH2A-related disorder. Also called: USH2A-related disorders; USH2A-related condition. Identifiers: MedGen CN239332.
Usher syndrome type 2A. Also called: RETINAL DISEASE IN USHER SYNDROME TYPE IIA, MODIFIER OF; USHER SYNDROME, TYPE IIA. Identifiers: Orphanet 231178, Orphanet 886, MedGen C1848634, MONDO:0010169, OMIM 276901.
Inborn genetic diseases. Identifiers: MedGen C0950123, MeSH D030342.

Allele frequency attached by ClinVar (database versions not stated): gnomAD exomes below 0.00001 and 0.00001; TOPMed below 0.00001; ExAC 0.00001.
gnomAD v4.1: 12 of 1,614,080 alleles (0.00074%); highest among the groups gnomAD compares: Admixed American, 0.0033%; 1 homozygote.

Submissions (6):

PreventionGenetics, part of Exact Sciences
Classification: Uncertain significance for USH2A-related condition. Last evaluated: 2025-07-08. Review status: criteria provided, single submitter. Criteria: ACMG Guidelines, 2015. Collection method: clinical testing. Allele origin: germline.
Comment: The USH2A c.7681G>A variant is predicted to result in the amino acid substitution p.Gly2561Arg. To our knowledge, this variant has not been reported in the literature. This variant is reported in 0.0058% of alleles in individuals of Latino descent in gnomAD. At this time, the clinical significance of this variant is uncertain due to the absence of conclusive functional and genetic evidence.

GeneDx
Classification: Uncertain significance. Last evaluated: 2025-05-09. Review status: criteria provided, single submitter. Criteria: GeneDx Variant Classification Process June 2021. Collection method: clinical testing. Allele origin: germline. Affected: yes.
Comment: Not observed at significant frequency in large population cohorts (gnomAD); In silico analysis supports that this missense variant has a deleterious effect on protein structure/function; Has not been previously published as pathogenic or benign to our knowledge

Ambry Genetics
Classification: Uncertain significance for Inborn genetic diseases. Last evaluated: 2023-10-20. Review status: criteria provided, single submitter. Criteria: Ambry Variant Classification Scheme 2023. Collection method: clinical testing. Allele origin: germline.

Blueprint Genetics
Classification: Uncertain significance. Last evaluated: 2022-12-14. Review status: criteria provided, single submitter. Criteria: ACMG Guidelines, 2015. Collection method: clinical testing. Allele origin: germline.

Labcorp Genetics (formerly Invitae), Labcorp
Classification: Uncertain significance. Last evaluated: 2022-09-06. Review status: criteria provided, single submitter. Criteria: Invitae Variant Classification Sherloc (09022015). Collection method: clinical testing. Allele origin: germline.
Comment: This sequence change replaces glycine, which is neutral and non-polar, with arginine, which is basic and polar, at codon 2561 of the USH2A protein (p.Gly2561Arg). This variant is present in population databases (rs781685696, gnomAD 0.006%). This variant has not been reported in the literature in individuals affected with USH2A-related conditions. ClinVar contains an entry for this variant (Variation ID: 969874). Algorithms developed to predict the effect of missense changes on protein structure and function output the following: SIFT: "Deleterious"; PolyPhen-2: "Possibly Damaging"; Align-GVGD: "Class C65". The arginine amino acid residue is found in multiple mammalian species, which suggests that this missense change does not adversely affect protein function. In summary, the available evidence is currently insufficient to determine the role of this variant in disease. Therefore, it has been classified as a Variant of Uncertain Significance.

Natera, Inc.
Classification: Uncertain significance for Usher syndrome type 2A. Last evaluated: 2020-02-21. Review status: no assertion criteria provided. Collection method: clinical testing. Allele origin: germline. Not counted in ClinVar's aggregate classification.

NM_206933.4(USH2A):c.7681G>A (p.Gly2561Arg)

Gene: USH2A (usherin; minus strand). Cytogenetic location: 1q41.
Variant type: single nucleotide variant.
Coding change: c.7681G>A on transcript NM_206933.4 (MANE Select); coding-DNA position 7681, G replaced by A.
Protein change: p.Gly2561Arg; replaces glycine 2561 with arginine.
Molecular consequence: missense variant.
Genome position (GRCh38, 1-based): chr1:215,888,968, C>T on the plus strand (G>A on the coding strand, the complement: USH2A is on the minus strand). VCF-style: chr1-215888968-C-T. GRCh37 (hg19) VCF-style: chr1-216062310-C-T.
Other names: short protein forms G2561R.
Identifiers: ClinVar variation 969874 (VCV000969874.9), dbSNP rs781685696, ClinGen allele CA1394765.